The following is an entry in ClinVar:

ClinVar aggregate classification (germline): Pathogenic (1 of 4 stars; one submission).

Conditions:
Methylmalonic acidemia with homocystinuria, type cblJ (MAHCJ). Also called: METHYLMALONIC ACIDURIA AND HOMOCYSTINURIA, cblJ TYPE. Identifiers: Orphanet 369955, MedGen C3553915, MONDO:0013925, OMIM 614857.

Submission:

Labcorp Genetics (formerly Invitae), Labcorp
Classification: Pathogenic for Methylmalonic acidemia with homocystinuria, type cblJ. Last evaluated: 2020-08-23. Review status: criteria provided, single submitter. Criteria: Invitae Variant Classification Sherloc (09022015). Collection method: clinical testing. Allele origin: germline.
Comment: For these reasons, this variant has been classified as Pathogenic. Loss-of-function variants in ABCD4 are known to be pathogenic (PMID: 22922874). This variant has not been reported in the literature in individuals with ABCD4-related conditions. This variant is not present in population databases (ExAC no frequency). This sequence change creates a premature translational stop signal (p.Arg432Glyfs*17) in the ABCD4 gene. It is expected to result in an absent or disrupted protein product.

Literature cited by the submitters: PubMed 22922874.

NM_005050.4(ABCD4):c.1294del (p.Arg432fs)

Gene: ABCD4 (ATP binding cassette subfamily D member 4; minus strand). Cytogenetic location: 14q24.3.
Variant type: Deletion.
Coding change: c.1294del on transcript NM_005050.4 (MANE Select); coding-DNA position 1294, one base deleted (C; older notation c.1294delC).
Protein change: p.Arg432fs; shifts the reading frame from arginine 432.
Molecular consequence: frameshift variant. On other transcripts: non-coding transcript variant (10).
Genome position (GRCh38, 1-based): chr14:74,290,324, G deleted on the plus strand (C on the coding strand, the reverse complement: ABCD4 is on the minus strand); the first of 2 consecutive G bases (chr14:74,290,324-74,290,325); deleting either gives the same sequence. VCF-style (leftmost placement, unchanged base first): chr14-74290323-CG-C. GRCh37 (hg19) VCF-style: chr14-74757026-CG-C.
Other names: c.1168del, p.Arg390fs (NM_001353591.2, NM_001353592.2); c.1033del, p.Arg345fs (NM_001353593.2); c.982del, p.Arg328fs (NM_001353594.2); c.880del, p.Arg294fs (NM_001353595.2, NM_001353596.2); c.829del, p.Arg277fs (NM_001353597.2); c.817del, p.Arg273fs (NM_001353598.2, NM_001353599.2, NM_001353600.2 and 2 more transcripts); c.505del, p.Arg169fs (NM_001353602.2, NM_001353603.2, NM_001353604.2 and 6 more transcripts); c.1294del, p.Arg432fs (NM_020325.3); short protein forms R169fs, R273fs, R277fs, R294fs, R328fs, R345fs, R390fs, R432fs.
Identifiers: ClinVar variation 1069117 (VCV001069117.7), dbSNP rs1435760575, ClinGen allele CA615040418.